The following is an entry in ClinVar:

ClinVar aggregate classification (germline): Uncertain significance (1 of 4 stars; one submission).

Submission:

Labcorp Genetics (formerly Invitae), Labcorp
Classification: Uncertain significance. Last evaluated: 2024-11-05. Review status: criteria provided, single submitter. Criteria: Invitae Variant Classification Sherloc (09022015). Collection method: clinical testing. Allele origin: germline.
Comment: This variant, c.476_478del, results in the deletion of 1 amino acid(s) of the RARS2 protein (p.Glu159del), but otherwise preserves the integrity of the reading frame. This variant is present in population databases (no rsID available, gnomAD 0.0009%). This variant has not been reported in the literature in individuals affected with RARS2-related conditions. Experimental studies and prediction algorithms are not available or were not evaluated, and the functional significance of this variant is currently unknown. Algorithms developed to predict the effect of sequence changes on RNA splicing suggest that this variant may disrupt the consensus splice site. In summary, the available evidence is currently insufficient to determine the role of this variant in disease. Therefore, it has been classified as a Variant of Uncertain Significance.

NM_020320.5(RARS2):c.473AAG[1] (p.Glu159del)

Gene: RARS2 (arginyl-tRNA synthetase 2, mitochondrial; minus strand). Cytogenetic location: 6q15.
Variant type: Microsatellite.
Coding change: c.473AAG[1] on transcript NM_020320.5 (MANE Select); one copy of the 3-base unit AAG starting at c.473; the reference has two copies in a row; one copy, 3 bases deleted.
Protein change: p.Glu159del; deletes glutamic acid 159.
Molecular consequence: inframe deletion. On other transcripts: 5 prime UTR variant (7), non-coding transcript variant (15).
Genome position (GRCh38, 1-based): chr6:87,545,673-87,545,675, CTT deleted on the plus strand (AAG on the coding strand, the reverse complement: RARS2 is on the minus strand); deleting any 3 consecutive bases within chr6:87,545,673-87,545,678 gives the same sequence; the position shown is the placement nearest the transcript's 3' end. VCF-style (leftmost placement, unchanged base first): chr6-87545672-GCTT-G. GRCh37 (hg19) VCF-style: chr6-88255390-GCTT-G.
Other names: c.-53AAG[1] (NM_001318785.2, NM_001350506.2, NM_001350507.2 and 4 more transcripts); c.473AAG[1], p.Glu159del (NM_001350505.2); short protein forms E159del.
Identifiers: ClinVar variation 1351633 (VCV001351633.6), dbSNP rs1189184093, ClinGen allele CA568703494.